The following is an entry in ClinVar:

ClinVar aggregate classification (germline): Uncertain significance (1 of 4 stars; one submission).

Conditions:
Hereditary diffuse gastric adenocarcinoma (HDGC). Also called: DIFFUSE GASTRIC AND LOBULAR BREAST CANCER SYNDROME. Identifiers: Orphanet 26106, MedGen C1708349, MONDO:0007648, OMIM 137215.

Submission:

Labcorp Genetics (formerly Invitae), Labcorp
Classification: Uncertain significance for Hereditary diffuse gastric adenocarcinoma. Last evaluated: 2024-09-03. Review status: criteria provided, single submitter. Criteria: Invitae Variant Classification Sherloc (09022015). Collection method: clinical testing. Allele origin: germline.
Comment: This sequence change replaces glycine, which is neutral and non-polar, with serine, which is neutral and polar, at codon 420 of the CDH1 protein (p.Gly420Ser). This variant is not present in population databases (gnomAD no frequency). This variant has not been reported in the literature in individuals affected with CDH1-related conditions. ClinVar contains an entry for this variant (Variation ID: 936892). An algorithm developed to predict the effect of missense changes on protein structure and function (PolyPhen-2) suggests that this variant is likely to be tolerated. In summary, the available evidence is currently insufficient to determine the role of this variant in disease. Therefore, it has been classified as a Variant of Uncertain Significance.

NM_004360.5(CDH1):c.1258G>A (p.Gly420Ser)

Gene: CDH1 (cadherin 1; plus strand). Cytogenetic location: 16q22.1.
Variant type: single nucleotide variant.
Coding change: c.1258G>A on transcript NM_004360.5 (MANE Select); coding-DNA position 1258, G replaced by A.
Protein change: p.Gly420Ser; replaces glycine 420 with serine.
Molecular consequence: missense variant. On other transcripts: 5 prime UTR variant (2), intron variant (1).
Genome position (GRCh38, 1-based): chr16:68,813,433, G>A. VCF-style: chr16-68813433-G-A. GRCh37 (hg19) VCF-style: chr16-68847336-G-A.
Other names: c.-358G>A (NM_001317185.2); c.-562G>A (NM_001317186.2); c.1137+1170G>A (NM_001317184.2); short protein forms G420S.
Identifiers: ClinVar variation 936892 (VCV000936892.10), dbSNP rs1960897887, ClinGen allele CA396461611.